The following is an entry in ClinVar:

ClinVar aggregate classification (germline): Uncertain significance. Review status: criteria provided, multiple submitters, no conflicts (2 of 4 stars). 3 submissions from 3 submitters: Uncertain significance (3). Last evaluated 2024-06-03.

Conditions:
Fraser syndrome 1 (FRASRS1). Also called: CRYPTOPHTHALMOS WITH OTHER MALFORMATIONS. Identifiers: Orphanet 2052, MedGen C4551480, MONDO:0054737, OMIM 219000.

Allele frequency attached by ClinVar (database versions not stated): gnomAD 0.00006; gnomAD exomes 0.00006 and 0.00007; ExAC 0.00008; TOPMed 0.00008; ESP Exome Variant Server 0.00016.
gnomAD v4.1: 115 of 1,613,844 alleles (0.0071%); highest among the groups gnomAD compares: Middle Eastern, 0.017%; no homozygotes.

Submissions (3):

Labcorp Genetics (formerly Invitae), Labcorp
Classification: Uncertain significance. Last evaluated: 2024-06-03. Review status: criteria provided, single submitter. Criteria: Invitae Variant Classification Sherloc (09022015). Collection method: clinical testing. Allele origin: germline.
Comment: This sequence change replaces alanine, which is neutral and non-polar, with valine, which is neutral and non-polar, at codon 3897 of the FRAS1 protein (p.Ala3897Val). This variant is present in population databases (rs373595232, gnomAD 0.009%). This variant has not been reported in the literature in individuals affected with FRAS1-related conditions. ClinVar contains an entry for this variant (Variation ID: 349818). An algorithm developed to predict the effect of missense changes on protein structure and function (PolyPhen-2) suggests that this variant is likely to be disruptive. In summary, the available evidence is currently insufficient to determine the role of this variant in disease. Therefore, it has been classified as a Variant of Uncertain Significance.

Fulgent Genetics
Classification: Uncertain significance for Fraser syndrome 1. Last evaluated: 2021-12-17. Review status: criteria provided, single submitter. Criteria: ACMG Guidelines, 2015. Collection method: clinical testing. Allele origin: unknown.

Illumina Laboratory Services, Illumina
Classification: Uncertain significance for Fraser syndrome 1. Last evaluated: 2018-01-13. Review status: criteria provided, single submitter. Criteria: ICSL Variant Classification Criteria 13 December 2019. Collection method: clinical testing. Allele origin: germline.

NM_025074.7(FRAS1):c.11690C>T (p.Ala3897Val)

Gene: FRAS1 (Fraser extracellular matrix complex subunit 1; plus strand). Cytogenetic location: 4q21.21.
Variant type: single nucleotide variant.
Coding change: c.11690C>T on transcript NM_025074.7 (MANE Select); coding-DNA position 11690, C replaced by T.
Protein change: p.Ala3897Val; replaces alanine 3897 with valine.
Molecular consequence: missense variant.
Genome position (GRCh38, 1-based): chr4:78,540,775, C>T. VCF-style: chr4-78540775-C-T. GRCh37 (hg19) VCF-style: chr4-79461929-C-T.
Other names: short protein forms A3897V.
Identifiers: ClinVar variation 349818 (VCV000349818.8), dbSNP rs373595232, ClinGen allele CA2979277.